The following is an entry in ClinVar:

ClinVar aggregate classification (germline): Uncertain significance (1 of 4 stars; one submission).

Submission:

Labcorp Genetics (formerly Invitae), Labcorp
Classification: Uncertain significance. Last evaluated: 2021-06-06. Review status: criteria provided, single submitter. Criteria: Invitae Variant Classification Sherloc (09022015). Collection method: clinical testing. Allele origin: germline.
Comment: This sequence change replaces aspartic acid with glycine at codon 500 of the FKBP10 protein (p.Asp500Gly). The aspartic acid residue is highly conserved and there is a moderate physicochemical difference between aspartic acid and glycine. This variant is not present in population databases (ExAC no frequency). This variant has not been reported in the literature in individuals with FKBP10-related conditions. Algorithms developed to predict the effect of missense changes on protein structure and function are either unavailable or do not agree on the potential impact of this missense change (SIFT: "Deleterious"; PolyPhen-2: "Benign"; Align-GVGD: "Class C0"). In summary, the available evidence is currently insufficient to determine the role of this variant in disease. Therefore, it has been classified as a Variant of Uncertain Significance.

NM_021939.4(FKBP10):c.1499A>G (p.Asp500Gly)

Gene: FKBP10 (FKBP prolyl isomerase 10; plus strand). Cytogenetic location: 17q21.2.
Variant type: single nucleotide variant.
Coding change: c.1499A>G on transcript NM_021939.4 (MANE Select); coding-DNA position 1499, A replaced by G.
Protein change: p.Asp500Gly; replaces aspartic acid 500 with glycine.
Molecular consequence: missense variant.
Genome position (GRCh38, 1-based): chr17:41,821,753, A>G. VCF-style: chr17-41821753-A-G. GRCh37 (hg19) VCF-style: chr17-39978005-A-G.
Other names: short protein forms D500G.
Identifiers: ClinVar variation 1461996 (VCV001461996.8), dbSNP rs1597910336, ClinGen allele CA399518842.